The following is an entry in ClinVar:

ClinVar aggregate classification (germline): Conflicting classifications of pathogenicity. Review status: criteria provided, conflicting classifications (1 of 4 stars). 7 submissions from 7 submitters: Uncertain significance (3); Benign (2); Likely benign (1). 1 of the submissions does not count toward it. Last evaluated 2026-01-07.

Conditions:
Cardiovascular phenotype. Identifiers: MedGen CN230736.
Sick sinus syndrome 3, susceptibility to (SSS3). Identifiers: Orphanet 166282, MedGen C3279791, MONDO:0013568, OMIM 614090.
Hypertrophic cardiomyopathy 14. Identifiers: MedGen C2750467, MONDO:0013197, OMIM 613251.
Dilated cardiomyopathy 1EE (CMD1EE). Identifiers: Orphanet 154, MedGen C2750466, MONDO:0013198, OMIM 613252.
Atrial septal defect 3 (ASD3). Identifiers: Orphanet 1478, MedGen C3279790, MONDO:0013567, OMIM 614089.
Cardiomyopathy (CMYO). Also called: Cardiomyopathies. Identifiers: Orphanet 167848, MedGen C0878544, MONDO:0004994, HP:0001638. Inheritance: Various modes of inheritance.

Allele frequency attached by ClinVar (database versions not stated): gnomAD 0.00003; TOPMed 0.00008; gnomAD exomes 0.00021; ExAC 0.00025.
gnomAD v4.1: 115 of 1,596,864 alleles (0.0072%); highest among the groups gnomAD compares: East Asian, 0.0023%; no homozygotes.

Submissions (7):

Labcorp Genetics (formerly Invitae), Labcorp
Classification: Benign for Hypertrophic cardiomyopathy 14. Last evaluated: 2026-01-07. Review status: criteria provided, single submitter. Criteria: Invitae Variant Classification Sherloc (09022015). Collection method: clinical testing. Allele origin: germline.

Revvity Omics, Revvity
Classification: Uncertain significance. Last evaluated: 2025-06-18. Review status: criteria provided, single submitter. Criteria: ACMG Guidelines, 2015. Collection method: clinical testing. Allele origin: germline.

GeneDx
Classification: Uncertain significance. Last evaluated: 2024-05-25. Review status: criteria provided, single submitter. Criteria: GeneDx Variant Classification Process June 2021. Collection method: clinical testing. Allele origin: germline. Affected: yes.
Comment: Has not been previously published as pathogenic or benign to our knowledge; In silico analysis supports that this missense variant has a deleterious effect on protein structure/function; This variant is associated with the following publications: (PMID: 30681346, 29420653)

Ambry Genetics
Classification: Likely benign for Cardiovascular phenotype. Last evaluated: 2022-05-25. Review status: criteria provided, single submitter. Criteria: Ambry Variant Classification Scheme 2023. Collection method: clinical testing. Allele origin: germline.

CHEO Genetics Diagnostic Laboratory, Children's Hospital of Eastern Ontario
Classification: Benign for Cardiomyopathy. Last evaluated: 2018-04-13. Review status: criteria provided, single submitter. Criteria: ACMG Guidelines, 2015. Collection method: clinical testing. Allele origin: germline.

Laboratory for Molecular Medicine, Mass General Brigham Personalized Medicine
Classification: Uncertain significance. Last evaluated: 2014-02-17. Review status: criteria provided, single submitter. Criteria: LMM Criteria. Collection method: clinical testing. Allele origin: germline. Observed: 1 variant allele.
Comment: The Glu1170Lys variant in MYH6 has not been previously reported in individuals w ith cardiomyopathy and data from large population studies is insufficient to det ermine its frequency. Computational analyses (biochemical amino acid properties, conservation, AlignGVGD, PolyPhen-2, and SIFT) suggest this variant may impact the protein, though this information is not predictive enough to determine patho genicity. Additional information is needed to fully assess the clinical signific ance of this variant.

Division of Human Genetics, Children's Hospital of Philadelphia
Classification: Uncertain significance for Atrial septal defect 3; Sick sinus syndrome 3, susceptibility to; Hypertrophic cardiomyopathy 14; Dilated cardiomyopathy 1EE. Last evaluated: 2016-01-24. Review status: no assertion criteria provided. Collection method: research. Allele origin: paternal. Affected: yes. Study: CSER-PediSeq. Not counted in ClinVar's aggregate classification.

NM_002471.4(MYH6):c.3508G>A (p.Glu1170Lys)

Gene: MYH6 (myosin heavy chain 6; minus strand). Cytogenetic location: 14q11.2.
Variant type: single nucleotide variant.
Coding change: c.3508G>A on transcript NM_002471.4 (MANE Select); coding-DNA position 3508, G replaced by A.
Protein change: p.Glu1170Lys; replaces glutamic acid 1170 with lysine.
Molecular consequence: missense variant.
Genome position (GRCh38, 1-based): chr14:23,390,281, C>T on the plus strand (G>A on the coding strand, the complement: MYH6 is on the minus strand). VCF-style: chr14-23390281-C-T. GRCh37 (hg19) VCF-style: chr14-23859490-C-T.
Other names: short protein forms E1170K.
Identifiers: ClinVar variation 164230 (VCV000164230.27), dbSNP rs727503236, ClinGen allele CA176949.
Genomic context (GRCh38, chr14:23,390,281, plus strand): 5'-TGGCCTCGTGCTGCAGCGTGGCCTCCTCCAGGTCCCGCCGCATCTTCTGGAACTCGGCCT[C>T]GCGCTTCTTGTTCATCTCGATCTGCACGGACGTGGCCCCGCCGGCCTCTTCCAGCCGCTC-3'
Protein context (NP_002462.2, residues 1160-1180): SVQIEMNKKR[Glu1170Lys]AEFQKMRRDL